The following is an entry in ClinVar:

ClinVar aggregate classification (germline): Conflicting classifications of pathogenicity. Review status: criteria provided, conflicting classifications (1 of 4 stars). 8 submissions from 8 submitters: Uncertain significance (6); Likely benign (1). 1 of the submissions does not count toward it. Last evaluated 2026-08-18.

Conditions:
Nephronophthisis. Also called: Juvenile Nephronophthisis. Identifiers: Orphanet 655, MedGen C0687120, MONDO:0019005, HP:0000090.
Meckel-Gruber syndrome. Also called: Dysencephalia splachnocystica; DYSENCEPHALIA SPLANCHNOCYSTICA; GRUBER SYNDROME. Identifiers: Orphanet 564, MedGen C0265215, MONDO:0018921.
Joubert syndrome. Also called: Familial aplasia of the vermis; JOUBERT-BOLTSHAUSER SYNDROME. Identifiers: Orphanet 475, MedGen C5979921, MONDO:0018772.
Bardet-Biedl syndrome 14 (BBS14). Identifiers: Orphanet 110, MedGen C2673874, MONDO:0014442, OMIM 615991.
Joubert syndrome 5 (JBTS5). Identifiers: Orphanet 2318, MedGen C1857780, MONDO:0012432, OMIM 610188.
Senior-Loken syndrome 6 (SLSN6). Identifiers: Orphanet 3156, MedGen C1857779, MONDO:0012433, OMIM 610189.
Leber congenital amaurosis 10 (LCA10). Identifiers: Orphanet 65, MedGen C1857821, MONDO:0012723, OMIM 611755.
Meckel syndrome, type 4 (MKS4). Also called: MECKEL-GRUBER SYNDROME, TYPE 4. Identifiers: Orphanet 564, MedGen C1970161, MONDO:0012626, OMIM 611134.
Retinal dystrophy. Also called: Inherited retinal dystrophy. Identifiers: Orphanet 71862, MedGen C0854723, MeSH D058499, MONDO:0019118, HP:0000556.
CEP290-related disorder. Also called: CEP290-related condition; CEP290-related disorders. Identifiers: MedGen CN239314.
Leber congenital amaurosis (LCA). Also called: Leber's amaurosis. Identifiers: Orphanet 65, MedGen C0339527, MeSH D057130, MONDO:0018998.

Allele frequency attached by ClinVar (database versions not stated): TOPMed 0.00005; ExAC 0.00008; ESP Exome Variant Server 0.00009; gnomAD 0.00011.
gnomAD v4.1: 61 of 1,591,990 alleles (0.0038%); highest among the groups gnomAD compares: East Asian, 0.022%; no homozygotes.

Submissions (8):

PreventionGenetics, part of Exact Sciences
Classification: Uncertain significance for CEP290-related condition. Last evaluated: 2026-08-18. Review status: criteria provided, single submitter. Criteria: ACMG Guidelines, 2015. Collection method: clinical testing. Allele origin: germline.
Comment: The CEP290 c.6629G>A variant is predicted to result in the amino acid substitution p.Arg2210His. To our knowledge, this variant has not been reported in the literature. This variant is reported in 0.023% of alleles in individuals of East Asian descent in gnomAD. At this time, the clinical significance of this variant is uncertain due to the absence of conclusive functional and genetic evidence.

Blueprint Genetics
Classification: Uncertain significance. Last evaluated: 2024-09-18. Review status: criteria provided, single submitter. Criteria: ACMG Guidelines, 2015. Collection method: clinical testing. Allele origin: germline.

Dept Of Ophthalmology, Nagoya University
Classification: Uncertain significance for Retinal dystrophy. Last evaluated: 2023-10-01. Review status: criteria provided, single submitter. Criteria: Submitter's publication. Collection method: research. Allele origin: germline. Affected: yes.

Labcorp Genetics (formerly Invitae), Labcorp
Classification: Uncertain significance for Joubert syndrome; Meckel-Gruber syndrome; Nephronophthisis. Last evaluated: 2022-10-17. Review status: criteria provided, single submitter. Criteria: Invitae Variant Classification Sherloc (09022015). Collection method: clinical testing. Allele origin: germline.
Comment: This sequence change replaces arginine, which is basic and polar, with histidine, which is basic and polar, at codon 2210 of the CEP290 protein (p.Arg2210His). This variant is present in population databases (rs371833544, gnomAD 0.02%). This variant has not been reported in the literature in individuals affected with CEP290-related conditions. ClinVar contains an entry for this variant (Variation ID: 377291). Algorithms developed to predict the effect of missense changes on protein structure and function output the following: SIFT: "Tolerated"; PolyPhen-2: "Probably Damaging"; Align-GVGD: "Class C0". The histidine amino acid residue is found in multiple mammalian species, which suggests that this missense change does not adversely affect protein function. In summary, the available evidence is currently insufficient to determine the role of this variant in disease. Therefore, it has been classified as a Variant of Uncertain Significance.

CeGaT Center for Human Genetics Tuebingen
Classification: Likely benign. Last evaluated: 2022-10-01. Review status: criteria provided, single submitter. Criteria: CeGaT Center For Human Genetics Tuebingen Variant Classification Criteria Version 2. Collection method: clinical testing. Allele origin: germline. Affected: yes. Observed: 1 variant allele.
Comment: CEP290: BP4

Fulgent Genetics
Classification: Uncertain significance for Joubert syndrome 5; Senior-Loken syndrome 6; Meckel syndrome, type 4; Leber congenital amaurosis 10; Bardet-Biedl syndrome 14. Last evaluated: 2018-10-31. Review status: criteria provided, single submitter. Criteria: ACMG Guidelines, 2015. Collection method: clinical testing. Allele origin: unknown.

Center for Pediatric Genomic Medicine, Children's Mercy Hospital and Clinics
Classification: Uncertain significance. Last evaluated: 2016-09-22. Review status: criteria provided, single submitter. Criteria: ACMG Guidelines, 2015. Collection method: clinical testing. Allele origin: germline.
ClinVar note: Converted during submission from Uncertain Significance to Uncertain significance.

Natera, Inc.
Classification: Uncertain significance for Leber congenital amaurosis. Last evaluated: 2020-09-16. Review status: no assertion criteria provided. Collection method: clinical testing. Allele origin: germline. Not counted in ClinVar's aggregate classification.

NM_025114.4(CEP290):c.6629G>A (p.Arg2210His)

Gene: CEP290 (centrosomal protein 290; minus strand). Cytogenetic location: 12q21.32.
Variant type: single nucleotide variant.
Coding change: c.6629G>A on transcript NM_025114.4 (MANE Select); coding-DNA position 6629, G replaced by A.
Protein change: p.Arg2210His; replaces arginine 2210 with histidine.
Molecular consequence: missense variant.
Genome position (GRCh38, 1-based): chr12:88,059,914, C>T on the plus strand (G>A on the coding strand, the complement: CEP290 is on the minus strand). VCF-style: chr12-88059914-C-T. GRCh37 (hg19) VCF-style: chr12-88453691-C-T.
Other names: short protein forms R2210H.
Identifiers: ClinVar variation 377291 (VCV000377291.34), dbSNP rs371833544, ClinGen allele CA6711461.
Genomic context (GRCh38, chr12:88,059,914, plus strand): 5'-GTAAAATAAAAATCAAAAGTTATAATCAGTCATAAAAGTCATACTTTTTTAAGTTCTTTA[C>T]GAAGCCTTTCATTTTCAGCAATAATTTTTTCTGTGCCTTTGGTCTTGGATTCATAGTGCA-3'
Protein context (NP_079390.3, residues 2200-2220): EKIIAENERL[Arg2210His]KELKKETDAA